The following is an entry in ClinVar:

ClinVar aggregate classification (germline): Uncertain significance (1 of 4 stars; one submission).

Conditions:
Predisposition to invasive fungal disease due to CARD9 deficiency (IMD103). Also called: Candidiasis, familial, 2, autosomal recessive; CARD9 IMMUNODEFICIENCY; IMMUNODEFICIENCY 103, SUSCEPTIBILITY TO FUNGAL INFECTIONS. Identifiers: Orphanet 457088, MedGen C1859353, MONDO:0008905, OMIM 212050.

Allele frequency attached by ClinVar (database versions not stated): gnomAD exomes below 0.00001; ExAC 0.00001; TOPMed 0.00001; ESP Exome Variant Server 0.00008.

Submission:

Labcorp Genetics (formerly Invitae), Labcorp
Classification: Uncertain significance for Predisposition to invasive fungal disease due to CARD9 deficiency. Last evaluated: 2024-02-17. Review status: criteria provided, single submitter. Criteria: Invitae Variant Classification Sherloc (09022015). Collection method: clinical testing. Allele origin: germline.
Comment: This sequence change replaces aspartic acid, which is acidic and polar, with asparagine, which is neutral and polar, at codon 141 of the CARD9 protein (p.Asp141Asn). This variant is present in population databases (rs375341696, gnomAD 0.007%). This variant has not been reported in the literature in individuals affected with CARD9-related conditions. ClinVar contains an entry for this variant (Variation ID: 1358219). Advanced modeling of protein sequence and biophysical properties (such as structural, functional, and spatial information, amino acid conservation, physicochemical variation, residue mobility, and thermodynamic stability) performed at Invitae indicates that this missense variant is not expected to disrupt CARD9 protein function with a negative predictive value of 80%. In summary, the available evidence is currently insufficient to determine the role of this variant in disease. Therefore, it has been classified as a Variant of Uncertain Significance.

NM_052813.5(CARD9):c.421G>A (p.Asp141Asn)

Gene: CARD9 (caspase recruitment domain family member 9; minus strand). Cytogenetic location: 9q34.3.
Variant type: single nucleotide variant.
Coding change: c.421G>A on transcript NM_052813.5 (MANE Select); coding-DNA position 421, G replaced by A.
Protein change: p.Asp141Asn; replaces aspartic acid 141 with asparagine.
Molecular consequence: missense variant.
Genome position (GRCh38, 1-based): chr9:136,371,047, C>T on the plus strand (G>A on the coding strand, the complement: CARD9 is on the minus strand). VCF-style: chr9-136371047-C-T. GRCh37 (hg19) VCF-style: chr9-139265499-C-T.
Other names: c.421G>A, p.Asp141Asn (NM_052814.4); short protein forms D141N.
Identifiers: ClinVar variation 1358219 (VCV001358219.6), dbSNP rs375341696, ClinGen allele CA5333137.